The following is an entry in ClinVar:

NM_001077350.3(NPRL3):c.1298G>C (p.Arg433Pro)

Genes: HBA-LCR (alpha-globin locus control region; plus strand), NPRL3 (NPR3 like, GATOR1 complex subunit; minus strand). Cytogenetic location: 16p13.3.
Variant type: single nucleotide variant.
Coding change: c.1298G>C on transcript NM_001077350.3 (MANE Select); coding-DNA position 1298, G replaced by C.
Protein change: p.Arg433Pro; replaces arginine 433 with proline.
Molecular consequence: missense variant.
Genome position (GRCh38, 1-based): chr16:89,766, C>G on the plus strand (G>C on the coding strand, the complement: NPRL3 is on the minus strand). VCF-style: chr16-89766-C-G. GRCh37 (hg19) VCF-style: chr16-139764-C-G.
Other names: c.761G>C, p.Arg254Pro (NM_001039476.3); c.1064G>C, p.Arg355Pro (NM_001243247.2); c.1223G>C, p.Arg408Pro (NM_001243248.2, NM_001243249.2); short protein forms R355P, R408P, R433P, R254P.
Identifiers: ClinVar variation 1369414 (VCV001369414.6), dbSNP rs781225056, ClinGen allele CA394050955.

ClinVar aggregate classification (germline): Uncertain significance (1 of 4 stars; one submission).

Conditions:
Epilepsy, familial focal, with variable foci 3 (FFEVF3). Identifiers: MedGen C4310708, MONDO:0014925, OMIM 617118.

gnomAD v4.1: 3 of 1,598,884 alleles (0.00019%); highest among the groups gnomAD compares: Admixed American, 0.0034%; no homozygotes.

Submission:

Labcorp Genetics (formerly Invitae), Labcorp
Classification: Uncertain significance for Epilepsy, familial focal, with variable foci 3. Last evaluated: 2022-08-09. Review status: criteria provided, single submitter. Criteria: Invitae Variant Classification Sherloc (09022015). Collection method: clinical testing. Allele origin: germline.
Comment: Experimental studies and prediction algorithms are not available or were not evaluated, and the functional significance of this variant is currently unknown. In summary, the available evidence is currently insufficient to determine the role of this variant in disease. Therefore, it has been classified as a Variant of Uncertain Significance. This sequence change replaces arginine with proline at codon 433 of the NPRL3 protein (p.Arg433Pro). The arginine residue is moderately conserved and there is a moderate physicochemical difference between arginine and proline. This variant is not present in population databases (gnomAD no frequency). This variant has not been reported in the literature in individuals affected with NPRL3-related conditions. ClinVar contains an entry for this variant (Variation ID: 1369414).